The following is an entry in ClinVar:

ClinVar aggregate classification (germline): Uncertain significance. Review status: criteria provided, single submitter (1 of 4 stars). 2 submissions from 2 submitters: Uncertain significance (1). 1 of the submissions does not count toward it. Last evaluated 2023-08-10.

Conditions:
Intellectual developmental disorder, autosomal recessive 74 (MRT74). Also called: Sotos syndrome 3. Identifiers: MedGen C4310684, MONDO:0014951, OMIM 617169.

Allele frequency attached by ClinVar (database versions not stated): gnomAD exomes 0.00005 and 0.00014; TOPMed 0.00006; ExAC 0.00029.
gnomAD v4.1: 202 of 1,579,232 alleles (0.013%); highest among the groups gnomAD compares: Non-Finnish European, 0.017%; no homozygotes.

Submissions (2):

Labcorp Genetics (formerly Invitae), Labcorp
Classification: Uncertain significance. Last evaluated: 2023-08-10. Review status: criteria provided, single submitter. Criteria: Invitae Variant Classification Sherloc (09022015). Collection method: clinical testing. Allele origin: germline.
Comment: This sequence change replaces valine, which is neutral and non-polar, with isoleucine, which is neutral and non-polar, at codon 355 of the APC2 protein (p.Val355Ile). This variant is present in population databases (rs751785909, gnomAD 0.01%). This missense change has been observed in individual(s) with clinical features of APC2-related conditions (PMID: 33161245). ClinVar contains an entry for this variant (Variation ID: 1339352). Algorithms developed to predict the effect of missense changes on protein structure and function output the following: SIFT: "Not Available"; PolyPhen-2: "Benign"; Align-GVGD: "Not Available". The isoleucine amino acid residue is found in multiple mammalian species, which suggests that this missense change does not adversely affect protein function. In summary, the available evidence is currently insufficient to determine the role of this variant in disease. Therefore, it has been classified as a Variant of Uncertain Significance.

OMIM
Classification: Pathogenic for INTELLECTUAL DEVELOPMENTAL DISORDER, AUTOSOMAL RECESSIVE 74. Last evaluated: 2022-02-02. Review status: no assertion criteria provided. Collection method: literature only. Allele origin: germline. Not counted in ClinVar's aggregate classification.

Literature cited by the submitters: PubMed 33161245 (cited by Labcorp Genetics (formerly Invitae), Labcorp and OMIM).

NM_005883.3(APC2):c.1063G>A (p.Val355Ile)

Gene: APC2 (APC regulator of Wnt signaling pathway 2; plus strand). Cytogenetic location: 19p13.3.
Variant type: single nucleotide variant.
Coding change: c.1063G>A on transcript NM_005883.3 (MANE Select); coding-DNA position 1063, G replaced by A.
Protein change: p.Val355Ile; replaces valine 355 with isoleucine.
Molecular consequence: missense variant.
Genome position (GRCh38, 1-based): chr19:1,457,099, G>A. VCF-style: chr19-1457099-G-A. GRCh37 (hg19) VCF-style: chr19-1457098-G-A.
Other names: c.1060G>A, p.Val354Ile (NM_001351273.1); short protein forms V355I, V354I.
Identifiers: ClinVar variation 1339352 (VCV001339352.10), dbSNP rs751785909, ClinGen allele CA9044952.